The following is an entry in ClinVar:

ClinVar aggregate classification (germline): Pathogenic. Review status: criteria provided, multiple submitters, no conflicts (2 of 4 stars). 5 submissions from 5 submitters: Pathogenic (5). Last evaluated 2025-06-29.

Conditions:
Hereditary nonpolyposis colorectal neoplasms. Identifiers: MedGen C0009405, MeSH D003123.
Hereditary cancer-predisposing syndrome. Also called: Neoplastic Syndromes, Hereditary; Hereditary Cancer Syndrome; Tumor predisposition; Hereditary neoplastic syndrome. Identifiers: Orphanet 140162, MedGen C0027672, MeSH D009386, MONDO:0015356.
Lynch syndrome 4 (LYNCH4). Also called: Hereditary non-polyposis colorectal cancer, type 4; Colorectal cancer, hereditary nonpolyposis, type 4. Identifiers: Orphanet 144, MedGen C1838333, MONDO:0013699, OMIM 614337. Disease mechanism: loss of function.

Submissions (5):

Ambry Genetics
Classification: Pathogenic for Hereditary cancer-predisposing syndrome. Last evaluated: 2025-06-29. Review status: criteria provided, single submitter. Criteria: Ambry Variant Classification Scheme 2023. Collection method: clinical testing. Allele origin: germline.
Comment: The c.1863delT pathogenic mutation (also known as p.M622*), located in coding exon 11 of the PMS2 gene, results from a deletion of one nucleotide at nucleotide position 1863. This changes the amino acid from a methionine to a stop codon within coding exon 11. This mutation was observed in a cohort of 4439 ovarian cancer patients (Carter NJ et al. Gynecol. Oncol. 2018 12;151(3):481-488). In addition to the clinical data presented in the literature, this alteration is expected to result in loss of function by premature protein truncation or nonsense-mediated mRNA decay. As such, this alteration is interpreted as a disease-causing mutation.

Labcorp Genetics (formerly Invitae), Labcorp
Classification: Pathogenic for Hereditary nonpolyposis colorectal neoplasms. Last evaluated: 2024-03-05. Review status: criteria provided, single submitter. Criteria: Invitae Variant Classification Sherloc (09022015). Collection method: clinical testing. Allele origin: germline.
Comment: This sequence change creates a premature translational stop signal (p.Met622*) in the PMS2 gene. It is expected to result in an absent or disrupted protein product. Loss-of-function variants in PMS2 are known to be pathogenic (PMID: 21376568, 24362816). This variant is not present in population databases (gnomAD no frequency). This premature translational stop signal has been observed in individual(s) with ovarian cancer (PMID: 30322717). ClinVar contains an entry for this variant (Variation ID: 546051). For these reasons, this variant has been classified as Pathogenic.

Myriad Genetics, Inc.
Classification: Pathogenic for Lynch syndrome 4. Last evaluated: 2023-09-21. Review status: criteria provided, single submitter. Criteria: Myriad Autosomal Dominant, Autosomal Recessive and X-Linked Classification Criteria (2023). Collection method: clinical testing. Allele origin: unknown.
Comment: This variant is considered pathogenic. This variant creates a termination codon and is predicted to result in premature protein truncation.

Clinical Genetics Laboratory, Skane University Hospital Lund
Classification: Pathogenic. Last evaluated: 2022-05-27. Review status: criteria provided, single submitter. Criteria: ACMG Guidelines, 2015. Collection method: clinical testing. Allele origin: germline. Affected: yes.

GeneDx
Classification: Pathogenic. Last evaluated: 2017-06-09. Review status: criteria provided, single submitter. Criteria: GeneDx Variant Classification (06012015). Collection method: clinical testing. Allele origin: germline. Affected: yes.
Comment: This variant is denoted PMS2 c.1863delT at the cDNA level and p.Met622Ter (M622X) at the protein level. The substitution creates a nonsense variant, which changes a Methionine to a premature stop codon (ATG>TGA), and is predicted to cause loss of normal protein function through either protein truncation or nonsense-mediated mRNA decay. This variant has been reported in the literature without clinical details (LaDuca 2017). This variant is considered pathogenic.

Literature cited by the submitters: PubMed 28152038 (cited by Ambry Genetics); PubMed 30322717 (cited by Ambry Genetics and Labcorp Genetics (formerly Invitae), Labcorp); PubMed 21376568 (cited by Labcorp Genetics (formerly Invitae), Labcorp); PubMed 24362816 (cited by Labcorp Genetics (formerly Invitae), Labcorp).

NM_000535.7(PMS2):c.1863del (p.Ser621_Met622insTer)

Gene: PMS2 (PMS1 homolog 2, mismatch repair system component; minus strand). Cytogenetic location: 7p22.1.
Variant type: Deletion.
Coding change: c.1863del on transcript NM_000535.7 (MANE Select); coding-DNA position 1863, one base deleted (T; older notation c.1863delT).
Protein change: p.Ser621_Met622insTer.
Molecular consequence: frameshift variant. On other transcripts: non-coding transcript variant (1).
Genome position (GRCh38, 1-based): chr7:5,986,902, A deleted on the plus strand (T on the coding strand, the reverse complement: PMS2 is on the minus strand). VCF-style (leftmost placement, unchanged base first): chr7-5986901-TA-T. GRCh37 (hg19) VCF-style: chr7-6026532-TA-T.
Other names: c.1545del, p.Ser515_Met516insTer (NM_001322008.2, NM_001322007.2); c.1458del, p.Ser486_Met487insTer (NM_001322009.2, NM_001322003.2, NM_001322004.2 and 1 more transcripts); c.1302del, p.Ser434_Met435insTer (NM_001322010.2); c.930del, p.Ser310_Met311insTer (NM_001322011.2, NM_001322012.2); c.1290del, p.Ser430_Met431insTer (NM_001322013.2); c.1863del, p.Ser621_Met622insTer (NM_001322014.2); c.1554del, p.Ser518_Met519insTer (NM_001322015.2); c.1707del, p.Ser569_Met570insTer (NM_001322006.2); and 2 more.
Identifiers: ClinVar variation 546051 (VCV000546051.13), dbSNP rs1554297164, ClinGen allele CA658821573.